The following is an entry in ClinVar:

ClinVar aggregate classification (germline): Pathogenic. Review status: no assertion criteria provided (0 of 4 stars). 2 submissions from 1 submitter: Pathogenic (1). 1 of the submissions does not count toward it.

Conditions:
3M syndrome 1. Also called: 3-M Syndrome, CUL7-Related. Identifiers: Orphanet 2616, MedGen C2678312, MONDO:0010117, OMIM 273750.

Submissions (2):

Genomic Medicine Center of Excellence, King Faisal Specialist Hospital and Research Centre
Classification: Pathogenic for Three M syndrome 1. Review status: no assertion criteria provided. Collection method: research. Allele origin: germline. Affected: yes. Study: Genomic Analysis of Primordial Dwarfism Reveals Novel Disease Genes.

Genomic Medicine Center of Excellence, King Faisal Specialist Hospital and Research Centre
Classification: Likely pathogenic. Review status: flagged submission. Criteria: ACMG Guidelines, 2015. Collection method: research. Allele origin: germline. Affected: yes. Not counted in ClinVar's aggregate classification.
ClinVar note: Reason: This record appears to be redundant with a more recent record from the same submitter.
ClinVar note: Notes: SCV000221722 appears to be redundant with SCV000108552.

NM_014780.5(CUL7):c.2592T>G (p.Tyr864Ter)

Gene: CUL7 (cullin 7; minus strand). Cytogenetic location: 6p21.1.
Variant type: single nucleotide variant.
Coding change: c.2592T>G on transcript NM_014780.5 (MANE Select); coding-DNA position 2592, T replaced by G.
Protein change: p.Tyr864Ter; replaces tyrosine 864 with a stop codon.
Molecular consequence: nonsense.
Genome position (GRCh38, 1-based): chr6:43,046,304, A>C on the plus strand (T>G on the coding strand, the complement: CUL7 is on the minus strand). VCF-style: chr6-43046304-A-C. GRCh37 (hg19) VCF-style: chr6-43014042-A-C.
Other names: c.2688T>G, p.Tyr896Ter (NM_001168370.2, NM_001374872.1); c.2592T>G, p.Tyr864Ter (NM_001374873.1, NM_001374874.1); short protein forms Y864*, Y948*, Y896*.
Identifiers: ClinVar variation 127244 (VCV000127244.3), dbSNP rs201406974, ClinGen allele CA236446.